The following is an entry in ClinVar:

ClinVar aggregate classification (germline): Uncertain significance (1 of 4 stars; one submission).

gnomAD v4.1: 8 of 1,614,150 alleles (0.0005%); highest among the groups gnomAD compares: Non-Finnish European, 0.00068%; no homozygotes.

Submission:

Labcorp Genetics (formerly Invitae), Labcorp
Classification: Uncertain significance. Last evaluated: 2023-02-18. Review status: criteria provided, single submitter. Criteria: Invitae Variant Classification Sherloc (09022015). Collection method: clinical testing. Allele origin: germline.
Comment: This sequence change replaces histidine, which is basic and polar, with glutamine, which is neutral and polar, at codon 333 of the ZMYND11 protein (p.His333Gln). In summary, the available evidence is currently insufficient to determine the role of this variant in disease. Therefore, it has been classified as a Variant of Uncertain Significance. Advanced modeling of protein sequence and biophysical properties (such as structural, functional, and spatial information, amino acid conservation, physicochemical variation, residue mobility, and thermodynamic stability) performed at Invitae indicates that this missense variant is not expected to disrupt ZMYND11 protein function. This variant has not been reported in the literature in individuals affected with ZMYND11-related conditions. This variant is not present in population databases (gnomAD no frequency).

NM_001370100.5(ZMYND11):c.999T>G (p.His333Gln)

Gene: ZMYND11 (zinc finger MYND-type containing 11; plus strand). Cytogenetic location: 10p15.3.
Variant type: single nucleotide variant.
Coding change: c.999T>G on transcript NM_001370100.5 (MANE Select); coding-DNA position 999, T replaced by G.
Protein change: p.His333Gln; replaces histidine 333 with glutamine.
Molecular consequence: missense variant. On other transcripts: non-coding transcript variant (1).
Genome position (GRCh38, 1-based): chr10:246,814, T>G. VCF-style: chr10-246814-T-G. GRCh37 (hg19) VCF-style: chr10-292754-T-G.
Other names: c.999T>G, p.His333Gln (NM_001161482.1, NM_001202468.1, NM_001370097.3 and 6 more transcripts); c.837T>G, p.His279Gln (NM_001202464.3, NM_001202467.1, NM_001370103.2 and 6 more transcripts); c.744T>G, p.His248Gln (NM_001202465.3, NM_001370110.2); c.834T>G, p.His278Gln (NM_001202466.3, NM_001370111.2); c.948T>G, p.His316Gln (NM_001330057.3, NM_001370112.2); c.906T>G, p.His302Gln (NM_001370113.2, NM_001370114.2); c.996T>G, p.His332Gln (NM_001370115.2, NM_212479.4); c.933T>G, p.His311Gln (NM_001370116.2); and 7 more; short protein forms H239Q, H316Q, H332Q, H214Q, H278Q, H293Q, H307Q, H333Q.
Identifiers: ClinVar variation 2807817 (VCV002807817.3), dbSNP rs774625732, ClinGen allele CA375819668.